The following is an entry in ClinVar:

NM_000051.4(ATM):c.3077+7A>T

Gene: ATM (ATM serine/threonine kinase; plus strand). Cytogenetic location: 11q22.3.
Variant type: single nucleotide variant.
Coding change: c.3077+7A>T on transcript NM_000051.4 (MANE Select); 7 bases into the intron after coding-DNA position 3077, A replaced by T.
Molecular consequence: intron variant.
Genome position (GRCh38, 1-based): chr11:108,271,413, A>T. VCF-style: chr11-108271413-A-T. GRCh37 (hg19) VCF-style: chr11-108142140-A-T.
Other names: c.3077+7A>T (NM_001351834.2).
Identifiers: ClinVar variation 3254211 (VCV003254211.1), dbSNP rs2081577708.

ClinVar aggregate classification (germline): Likely benign (1 of 4 stars; one submission).

Conditions:
Familial cancer of breast. Also called: BREAST CANCER, FAMILIAL; Hereditary breast cancer; hereditary breast carcinoma. Identifiers: Orphanet 227535, MedGen C0346153, MONDO:0016419, OMIM 114480. Disease mechanism: loss of function.

Allele frequency attached by ClinVar (database versions not stated): TOPMed below 0.00001.

Submission:

Myriad Genetics, Inc.
Classification: Likely benign for Familial cancer of breast. Last evaluated: 2024-05-13. Review status: criteria provided, single submitter. Criteria: Myriad Autosomal Dominant, Autosomal Recessive and X-Linked Classification Criteria (2023). Collection method: clinical testing. Allele origin: unknown.
Comment: This variant is considered likely benign. This variant is intronic and is not expected to impact mRNA splicing.